The following is an entry in ClinVar:

ClinVar aggregate classification (germline): Uncertain significance. Review status: criteria provided, multiple submitters, no conflicts (2 of 4 stars). 2 submissions from 2 submitters: Uncertain significance (2). Last evaluated 2024-05-29.

Conditions:
Early Myoclonic Encephalopathy. Identifiers: MedGen C0270855.

Allele frequency attached by ClinVar (database versions not stated): TOPMed 0.00005; ExAC 0.00007; gnomAD exomes 0.00001; gnomAD 0.00003.
gnomAD v4.1: 19 of 1,613,994 alleles (0.0012%); highest among the groups gnomAD compares: East Asian, 0.031%; no homozygotes.

Submissions (2):

Labcorp Genetics (formerly Invitae), Labcorp
Classification: Uncertain significance for Early Myoclonic Encephalopathy. Last evaluated: 2024-05-29. Review status: criteria provided, single submitter. Criteria: Invitae Variant Classification Sherloc (09022015). Collection method: clinical testing. Allele origin: germline.
Comment: This sequence change replaces lysine, which is basic and polar, with glutamic acid, which is acidic and polar, at codon 659 of the JMJD1C protein (p.Lys659Glu). This variant is present in population databases (rs750493771, gnomAD 0.08%), and has an allele count higher than expected for a pathogenic variant. This variant has not been reported in the literature in individuals affected with JMJD1C-related conditions. Advanced modeling of protein sequence and biophysical properties (such as structural, functional, and spatial information, amino acid conservation, physicochemical variation, residue mobility, and thermodynamic stability) performed at Invitae indicates that this missense variant is not expected to disrupt JMJD1C protein function with a negative predictive value of 80%. In summary, the available evidence is currently insufficient to determine the role of this variant in disease. Therefore, it has been classified as a Variant of Uncertain Significance.

Ambry Genetics
Classification: Uncertain significance. Last evaluated: 2023-10-25. Review status: criteria provided, single submitter. Criteria: Ambry Variant Classification Scheme 2023. Collection method: clinical testing. Allele origin: germline.

NM_032776.3(JMJD1C):c.1975A>G (p.Lys659Glu)

Gene: JMJD1C (jumonji domain containing 1C; minus strand). Cytogenetic location: 10q21.3.
Variant type: single nucleotide variant.
Coding change: c.1975A>G on transcript NM_032776.3 (MANE Select); coding-DNA position 1975, A replaced by G.
Protein change: p.Lys659Glu; replaces lysine 659 with glutamic acid.
Molecular consequence: missense variant. On other transcripts: non-coding transcript variant (1).
Genome position (GRCh38, 1-based): chr10:63,214,192, T>C on the plus strand (A>G on the coding strand, the complement: JMJD1C is on the minus strand). VCF-style: chr10-63214192-T-C. GRCh37 (hg19) VCF-style: chr10-64973952-T-C.
Other names: c.1429A>G, p.Lys477Glu (NM_001318154.2, NM_001282948.2); c.1861A>G, p.Lys621Glu (NM_001322252.2); c.1318A>G, p.Lys440Glu (NM_001322254.2, NM_001322258.2); c.1975A>G (NM_032776.1); c.1111A>G, p.Lys371Glu (NM_001318153.2); short protein forms K659E, K371E, K477E, K440E, K621E.
Identifiers: ClinVar variation 2917062 (VCV002917062.4), dbSNP rs750493771, ClinGen allele CA5518708.